The following is an entry in ClinVar:

ClinVar aggregate classification (germline): Pathogenic (1 of 4 stars; one submission).

Conditions:
Severe combined immunodeficiency disease. Also called: Severe Combined Immune Deficiency; Severe combined immunodeficiency. Identifiers: Orphanet 183660, MedGen C0085110, MeSH D016511, MONDO:0015974, HP:0004430. Inheritance: X-Linked or Autosomal recessive.

Submission:

Women's Health and Genetics/Laboratory Corporation of America, LabCorp
Classification: Pathogenic for Severe combined immunodeficiency disease. Last evaluated: 2023-12-15. Review status: criteria provided, single submitter. Criteria: LabCorp Variant Classification Summary - May 2015. Collection method: clinical testing. Allele origin: germline.
Comment: Variant summary: CD3D c.107delA (p.Asn36IlefsX9) results in a premature termination codon, predicted to cause absence of the protein due to nonsense mediated decay, which is a commonly known mechanism for disease. The variant was absent in 251442 control chromosomes. To our knowledge, no occurrence of c.107delA in individuals affected with Severe Combined Immunodeficiency and no experimental evidence demonstrating its impact on protein function have been reported. No submitters have cited clinical-significance assessments for this variant to ClinVar after 2014. Based on the evidence outlined above, the variant was classified as pathogenic.

NM_000732.6(CD3D):c.107del (p.Asn36fs)

Gene: CD3D (CD3 delta subunit of T-cell receptor complex; minus strand). Cytogenetic location: 11q23.3.
Variant type: Deletion.
Coding change: c.107del on transcript NM_000732.6 (MANE Select); coding-DNA position 107, one base deleted (A; older notation c.107delA).
Protein change: p.Asn36fs; shifts the reading frame from asparagine 36.
Molecular consequence: frameshift variant.
Genome position (GRCh38, 1-based): chr11:118,340,542, T deleted on the plus strand (A on the coding strand, the reverse complement: CD3D is on the minus strand); the first of 2 consecutive T bases (chr11:118,340,542-118,340,543); deleting either gives the same sequence. VCF-style (leftmost placement, unchanged base first): chr11-118340541-AT-A. GRCh37 (hg19) VCF-style: chr11-118211256-AT-A.
Other names: c.107del, p.Asn36fs (NM_001040651.2); c.107delA (NM_000732.6); short protein forms N36fs.
Identifiers: ClinVar variation 2691273 (VCV002691273.1), dbSNP rs2496872976, ClinGen allele CA2697558979.
Genomic context (GRCh38, chr11:118,340,541, plus strand): 5'-TGTAATGTCTGAGAGCAGTGTTCCCACCGTTCCCTCTACCCATGTGATGCTGGTATTGCA[AT>A]TCACAAACACTCTGTCCTCAAGTTCCTCTATAGGTATCTTGAAGGGGCTCACTAAAGGGG-3'